The following is an entry in ClinVar:

ClinVar aggregate classification (germline): Uncertain significance. Review status: criteria provided, multiple submitters, no conflicts (2 of 4 stars). 2 submissions from 2 submitters: Uncertain significance (2). Last evaluated 2025-01-09.

Conditions:
Worth disease. Also called: ENDOSTEAL HYPEROSTOSIS, AUTOSOMAL DOMINANT; OSTEOSCLEROSIS, AUTOSOMAL DOMINANT; Autosomal dominant osteosclerosis, Worth type. Identifiers: Orphanet 2790, MedGen C0432273, MONDO:0007764, OMIM 144750.
Bone mineral density quantitative trait locus 1 (BMND1). Identifiers: MedGen C1866079, OMIM 601884.
Autosomal dominant osteopetrosis 1 (OPTA1). Also called: OSTEOPETROSIS, AUTOSOMAL DOMINANT, TYPE I. Identifiers: Orphanet 2783, MedGen C1843330, MONDO:0011877, OMIM 607634.
Osteoporosis with pseudoglioma (OPPG). Also called: osteoporosis-pseudoglioma syndrome. Identifiers: Orphanet 2788, MedGen C0432252, MONDO:0009820, OMIM 259770.
Exudative vitreoretinopathy 4 (EVR4). Identifiers: Orphanet 891, MedGen C1866176, MONDO:0011151, OMIM 601813.
Polycystic liver disease 4 with or without kidney cysts. Identifiers: MedGen C4693479, MONDO:0044327, OMIM 617875.

gnomAD v4.1: 4 of 1,613,744 alleles (0.00025%); highest among the groups gnomAD compares: African/African-American, 0.0053%; no homozygotes.

Submissions (2):

Labcorp Genetics (formerly Invitae), Labcorp
Classification: Uncertain significance. Last evaluated: 2025-01-09. Review status: criteria provided, single submitter. Criteria: Invitae Variant Classification Sherloc (09022015). Collection method: clinical testing. Allele origin: germline.
Comment: This sequence change replaces asparagine, which is neutral and polar, with serine, which is neutral and polar, at codon 136 of the LRP5 protein (p.Asn136Ser). This variant is present in population databases (rs759063931, gnomAD 0.01%). This variant has not been reported in the literature in individuals affected with LRP5-related conditions. ClinVar contains an entry for this variant (Variation ID: 2111067). Invitae Evidence Modeling of protein sequence and biophysical properties (such as structural, functional, and spatial information, amino acid conservation, physicochemical variation, residue mobility, and thermodynamic stability) indicates that this missense variant is not expected to disrupt LRP5 protein function with a negative predictive value of 95%. In summary, the available evidence is currently insufficient to determine the role of this variant in disease. Therefore, it has been classified as a Variant of Uncertain Significance.

Fulgent Genetics
Classification: Uncertain significance for Worth disease; Osteoporosis with pseudoglioma; Exudative vitreoretinopathy 4; Bone mineral density quantitative trait locus 1; Autosomal dominant osteopetrosis 1; Polycystic liver disease 4 with or without kidney cysts. Last evaluated: 2024-04-15. Review status: criteria provided, single submitter. Criteria: ACMG Guidelines, 2015. Collection method: clinical testing. Allele origin: germline.

NM_002335.4(LRP5):c.407A>G (p.Asn136Ser)

Gene: LRP5 (LDL receptor related protein 5; plus strand). Cytogenetic location: 11q13.2.
Variant type: single nucleotide variant.
Coding change: c.407A>G on transcript NM_002335.4 (MANE Select); coding-DNA position 407, A replaced by G.
Protein change: p.Asn136Ser; replaces asparagine 136 with serine.
Molecular consequence: missense variant. On other transcripts: 5 prime UTR variant (1).
Genome position (GRCh38, 1-based): chr11:68,348,162, A>G. VCF-style: chr11-68348162-A-G. GRCh37 (hg19) VCF-style: chr11-68115630-A-G.
Other names: c.-1359A>G (NM_001291902.2); short protein forms N136S.
Identifiers: ClinVar variation 2111067 (VCV002111067.5), dbSNP rs759063931, ClinGen allele CA6148980.
Genomic context (GRCh38, chr11:68,348,162, plus strand): 5'-ACTGGGTGGGCAAGAAGCTGTACTGGACGGACTCAGAGACCAACCGCATCGAGGTGGCCA[A>G]CCTCAATGGCACATCCCGGAAGGTGCTCTTCTGGCAGGACCTTGACCAGCCGAGGGCCAT-3'
Protein context (NP_002326.2, residues 126-146): DSETNRIEVA[Asn136Ser]LNGTSRKVLF